The following is an entry in ClinVar:

ClinVar aggregate classification (germline): Uncertain significance. Review status: criteria provided, multiple submitters, no conflicts (2 of 4 stars). 2 submissions from 2 submitters: Uncertain significance (2). Last evaluated 2025-07-23.

Conditions:
TNXB-related disorder. Also called: TNXB-related condition.
Cardiovascular phenotype. Identifiers: MedGen CN230736.

Allele frequency attached by ClinVar (database versions not stated): gnomAD 0.00002; gnomAD exomes 0.00002.
gnomAD v4.1: 26 of 1,610,036 alleles (0.0016%); highest among the groups gnomAD compares: Non-Finnish European, 0.0021%; no homozygotes.

Submissions (2):

PreventionGenetics, part of Exact Sciences
Classification: Uncertain significance for TNXB-related condition. Last evaluated: 2025-07-23. Review status: criteria provided, single submitter. Criteria: ACMG Guidelines, 2015. Collection method: clinical testing. Allele origin: germline.
Comment: The TNXB c.5173T>C variant is predicted to result in the amino acid substitution p.Ser1725Pro. To our knowledge, this variant has not been reported in the literature. This variant is reported in 0.00089% of alleles in individuals of European (Non-Finnish) descent in gnomAD. At this time, the clinical significance of this variant is uncertain due to the absence of conclusive functional and genetic evidence.

Ambry Genetics
Classification: Uncertain significance for Cardiovascular phenotype. Last evaluated: 2021-11-24. Review status: criteria provided, single submitter. Criteria: Ambry Variant Classification Scheme 2023. Collection method: clinical testing. Allele origin: germline.
Comment: The p.S1725P variant (also known as c.5173T>C), located in coding exon 13 of the TNXB gene, results from a T to C substitution at nucleotide position 5173. The serine at codon 1725 is replaced by proline, an amino acid with similar properties. This amino acid position is conserved. In addition, this alteration is predicted to be tolerated by in silico analysis. Since supporting evidence is limited at this time, the clinical significance of this alteration remains unclear.

NM_001365276.2(TNXB):c.5173T>C (p.Ser1725Pro)

Gene: TNXB (tenascin XB; minus strand). Cytogenetic location: 6p21.33.
Variant type: single nucleotide variant.
Coding change: c.5173T>C on transcript NM_001365276.2 (MANE Select); coding-DNA position 5173, T replaced by C.
Protein change: p.Ser1725Pro; replaces serine 1725 with proline.
Molecular consequence: missense variant.
Genome position (GRCh38, 1-based): chr6:32,070,232, A>G on the plus strand (T>C on the coding strand, the complement: TNXB is on the minus strand). VCF-style: chr6-32070232-A-G. GRCh37 (hg19) VCF-style: chr6-32038009-A-G.
Other names: c.5173T>C, p.Ser1725Pro (NM_019105.8); short protein forms S1725P.
Identifiers: ClinVar variation 1745812 (VCV001745812.3), dbSNP rs1226299219, ClinGen allele CA363415203.
Genomic context (GRCh38, chr6:32,070,232, plus strand): 5'-GGAGGCCATAGAGGAGGAATCTGTACTTGCGGCCGGCATCCAGAGGGGTGACAGTGACAG[A>G]GCGCTCATGGCCCTCCACGGGCACCACCTGGGGCCCGTCTTTGTCCTTGAACTGGACCAC-3'
Protein context (NP_001352205.1, residues 1715-1735): QVVPVEGHER[Ser1725Pro]VTVTPLDAGR